The following is an entry in ClinVar:

NM_003632.3(CNTNAP1):c.3570G>A (p.Glu1190=)

Gene: CNTNAP1 (contactin associated protein 1; plus strand). Cytogenetic location: 17q21.2.
Variant type: single nucleotide variant.
Coding change: c.3570G>A on transcript NM_003632.3 (MANE Select); coding-DNA position 3570, G replaced by A.
Protein change: p.Glu1190=; no amino-acid change (glutamic acid 1190 retained).
Molecular consequence: synonymous variant.
Genome position (GRCh38, 1-based): chr17:42,697,555, G>A. VCF-style: chr17-42697555-G-A. GRCh37 (hg19) VCF-style: chr17-40849573-G-A.
Other names: p.Glu1190=.
Identifiers: ClinVar variation 1164322 (VCV001164322.14), dbSNP rs77725092, ClinGen allele CA8582400.

ClinVar aggregate classification (germline): Benign. Review status: criteria provided, multiple submitters, no conflicts (2 of 4 stars). 5 submissions from 5 submitters: Benign (5). Last evaluated 2026-04-18.

Conditions:
CNTNAP1-related disorder. Also called: CNTNAP1-related condition; CNTNAP1-related disease.

Allele frequency attached by ClinVar (database versions not stated): gnomAD exomes 0.00789 and 0.01747; TOPMed 0.00848; gnomAD 0.01075 and 0.00755; ExAC 0.01897; ESP Exome Variant Server 0.00715; 1000 Genomes Project 30x 0.03154; 1000 Genomes Project 0.03375.
gnomAD v4.1: 13,337 of 1,614,010 alleles (0.83%); highest among the groups gnomAD compares: South Asian, 9.4%; 571 homozygotes.

Submissions (5):

PreventionGenetics, part of Exact Sciences
Classification: Benign for CNTNAP1-related condition. Last evaluated: 2026-04-18. Review status: criteria provided, single submitter. Criteria: ACMG Guidelines, 2015. Collection method: clinical testing. Allele origin: germline.
Comment: This variant is classified as benign based on ACMG/AMP sequence variant interpretation guidelines (Richards et al. 2015 PMID: 25741868, with internal and published modifications).

Labcorp Genetics (formerly Invitae), Labcorp
Classification: Benign. Last evaluated: 2026-01-26. Review status: criteria provided, single submitter. Criteria: Invitae Variant Classification Sherloc (09022015). Collection method: clinical testing. Allele origin: germline.

GeneDx
Classification: Benign. Last evaluated: 2020-06-09. Review status: criteria provided, single submitter. Criteria: GeneDx Variant Classification Process June 2021. Collection method: clinical testing. Allele origin: germline. Affected: yes.

Mayo Clinic Laboratories, Mayo Clinic
Classification: Benign. Last evaluated: 2017-12-22. Review status: criteria provided, single submitter. Criteria: ACMG Guidelines, 2015. Collection method: clinical testing. Allele origin: germline. Observed: 14 variant alleles.

Breakthrough Genomics
Classification: Benign. Review status: criteria provided, single submitter. Criteria: ACMG Guidelines, 2015. Collection method: not provided. Allele origin: germline. Inheritance: Autosomal recessive inheritance. Affected: yes.